The following is an entry in ClinVar:

NM_022772.4(EPS8L2):c.328-42del

Gene: EPS8L2 (EPS8 signaling adaptor L2; plus strand). Cytogenetic location: 11p15.5.
Variant type: Deletion.
Coding change: c.328-42del on transcript NM_022772.4 (MANE Select); 42 bases into the intron before coding-DNA position 328, one base deleted (C; older notation c.328-42delC).
Molecular consequence: intron variant.
Genome position (GRCh38, 1-based): chr11:720,555, C deleted; the last of 3 consecutive C bases (chr11:720,553-720,555); deleting any one gives the same sequence. VCF-style (leftmost placement, unchanged base first): chr11-720552-GC-G. GRCh37 (hg19) VCF-style: chr11-720552-GC-G.
Identifiers: ClinVar variation 2498478 (VCV002498478.28), dbSNP rs201086107, ClinGen allele CA5787132.

ClinVar aggregate classification (germline): Benign (1 of 4 stars; one submission).

Submission:

CeGaT Center for Human Genetics Tuebingen
Classification: Benign. Last evaluated: 2026-06-01. Review status: criteria provided, single submitter. Criteria: CeGaT Center For Human Genetics Tuebingen Variant Classification Criteria Version 2. Collection method: clinical testing. Allele origin: germline. Affected: yes. Observed: 8 variant alleles.
Comment: EPS8L2: BS1, BS2